The following is an entry in ClinVar:

NM_006904.7(PRKDC):c.1523A>G (p.His508Arg)

Gene: PRKDC (protein kinase, DNA-activated, catalytic subunit; minus strand). Cytogenetic location: 8q11.21.
Variant type: single nucleotide variant.
Coding change: c.1523A>G on transcript NM_006904.7 (MANE Select); coding-DNA position 1523, A replaced by G.
Protein change: p.His508Arg; replaces histidine 508 with arginine.
Molecular consequence: missense variant.
Genome position (GRCh38, 1-based): chr8:47,934,065, T>C on the plus strand (A>G on the coding strand, the complement: PRKDC is on the minus strand). VCF-style: chr8-47934065-T-C. GRCh37 (hg19) VCF-style: chr8-48846625-T-C.
Other names: c.1523A>G, p.His508Arg (NM_001081640.2); short protein forms H508R.
Identifiers: ClinVar variation 2626365 (VCV002626365.2), dbSNP rs1669773965, ClinGen allele CA371165463.
Genomic context (GRCh38, chr8:47,934,065, plus strand): 5'-ACGTAGTCTTTGTATGTGGGCACCTTCCATTTGCCAGTTCTGACTTCCCCTGAAGCACGG[T>C]GGTCTTCAGATTCAGACTCAGGGCCCTGGCCAGAAAGACAGCATGACAATATGTAGTGAT-3'
Protein context (NP_008835.5, residues 498-518): PKGPESESED[His508Arg]RASGEVRTGK

ClinVar aggregate classification (germline): Uncertain significance (1 of 4 stars; one submission).

Allele frequency attached by ClinVar (database versions not stated): gnomAD exomes below 0.00001.
gnomAD v4.1: 1 of 1,613,760 alleles (0.000062%); highest among the groups gnomAD compares: Non-Finnish European, 0.000085%; no homozygotes.

Submission:

Ambry Genetics
Classification: Uncertain significance. Last evaluated: 2023-09-07. Review status: criteria provided, single submitter. Criteria: Ambry Variant Classification Scheme 2023. Collection method: clinical testing. Allele origin: germline.
Comment: The p.H508R variant (also known as c.1523A>G), located in coding exon 15 of the PRKDC gene, results from an A to G substitution at nucleotide position 1523. The histidine at codon 508 is replaced by arginine, an amino acid with highly similar properties. This amino acid position is conserved. In addition, this alteration is predicted to be tolerated by in silico analysis. Since supporting evidence is limited at this time, the clinical significance of this alteration remains unclear.